The following is an entry in ClinVar:

ClinVar aggregate classification (germline): Likely benign. Review status: criteria provided, multiple submitters, no conflicts (2 of 4 stars). 4 submissions from 4 submitters: Likely benign (4). Last evaluated 2025-08-11.

Conditions:
Inborn genetic diseases. Identifiers: MedGen C0950123, MeSH D030342.
FANCA-related disorder. Also called: FANCA-related condition.
Fanconi anemia (FA). Also called: Fanconi's anemia. Identifiers: Orphanet 84, MedGen C0015625, MeSH D005199, MONDO:0019391.

gnomAD v4.1: 3 of 1,614,044 alleles (0.00019%); highest among the groups gnomAD compares: Non-Finnish European, 0.00025%; no homozygotes.

Submissions (4):

Quest Diagnostics Nichols Institute San Juan Capistrano
Classification: Likely benign. Last evaluated: 2025-08-11. Review status: criteria provided, single submitter. Criteria: Quest Diagnostics criteria. Collection method: clinical testing. Allele origin: unknown.

Labcorp Genetics (formerly Invitae), Labcorp
Classification: Likely benign for Fanconi anemia. Last evaluated: 2025-06-27. Review status: criteria provided, single submitter. Criteria: Invitae Variant Classification Sherloc (09022015). Collection method: clinical testing. Allele origin: germline.

PreventionGenetics, part of Exact Sciences
Classification: Likely benign for FANCA-related condition. Last evaluated: 2025-01-24. Review status: criteria provided, single submitter. Criteria: ACMG Guidelines, 2015. Collection method: clinical testing. Allele origin: germline.
Comment: This variant is classified as likely benign based on ACMG/AMP sequence variant interpretation guidelines (Richards et al. 2015 PMID: 25741868, with internal and published modifications).

Ambry Genetics
Classification: Likely benign for Inborn genetic diseases. Last evaluated: 2025-01-15. Review status: criteria provided, single submitter. Criteria: Ambry Variant Classification Scheme 2023. Collection method: clinical testing. Allele origin: germline.

NM_000135.4(FANCA):c.2904G>C (p.Ser968=)

Gene: FANCA (FA complementation group A; minus strand). Cytogenetic location: 16q24.3.
Variant type: single nucleotide variant.
Coding change: c.2904G>C on transcript NM_000135.4 (MANE Select); coding-DNA position 2904, G replaced by C.
Protein change: p.Ser968=; no amino-acid change (serine 968 retained).
Molecular consequence: synonymous variant.
Genome position (GRCh38, 1-based): chr16:89,758,654, C>G on the plus strand (G>C on the coding strand, the complement: FANCA is on the minus strand). VCF-style: chr16-89758654-C-G. GRCh37 (hg19) VCF-style: chr16-89825062-C-G.
Other names: c.2904G>C (NM_000135.3, NM_000135.2); c.2904G>C, p.Ser968= (NM_001286167.3).
Identifiers: ClinVar variation 1111447 (VCV001111447.12), dbSNP rs568354015, ClinGen allele CA497182184.